The following is an entry in ClinVar:

NM_000077.5(CDKN2A):c.130del (p.Tyr44fs)

Gene: CDKN2A (cyclin dependent kinase inhibitor 2A; minus strand). Cytogenetic location: 9p21.3.
Variant type: Deletion.
Coding change: c.130del on transcript NM_000077.5; coding-DNA position 130, one base deleted (T; older notation c.130delT).
Protein change: p.Tyr44fs; shifts the reading frame from tyrosine 44.
Molecular consequence: frameshift variant (on NM_000077.6). On other transcripts: intron variant (2).
Genome position (GRCh38, 1-based): chr9:21,974,698, A deleted on the plus strand (T on the coding strand, the reverse complement: CDKN2A is on the minus strand); the first of 2 consecutive A bases (chr9:21,974,698-21,974,699); deleting either gives the same sequence. VCF-style (leftmost placement, unchanged base first): chr9-21974697-TA-T. GRCh37 (hg19) VCF-style: chr9-21974696-TA-T.
Other names: c.129delT, p.Tyr44Thrfs (NM_000077.6); c.130del, p.Tyr44fs (NM_001195132.2, NM_058197.5); c.-3-3490del (NM_001363763.2); c.194-3490del (NM_058195.4); short protein forms Y44fs.
Identifiers: ClinVar variation 2796337 (VCV002796337.3), dbSNP rs2489290714, ClinGen allele CA2739269176.

ClinVar aggregate classification (germline): Pathogenic (1 of 4 stars; one submission).

Conditions:
Familial melanoma. Also called: Hereditary melanoma; Hereditary cutaneous melanoma. Identifiers: Orphanet 618, MedGen C1512419, MONDO:0018961.

Submission:

Labcorp Genetics (formerly Invitae), Labcorp
Classification: Pathogenic for Familial melanoma. Last evaluated: 2023-02-01. Review status: criteria provided, single submitter. Criteria: Invitae Variant Classification Sherloc (09022015). Collection method: clinical testing. Allele origin: germline.
Comment: For these reasons, this variant has been classified as Pathogenic. This variant has not been reported in the literature in individuals affected with CDKN2A (p16INK4a)-related conditions. This variant is not present in population databases (gnomAD no frequency). This sequence change creates a premature translational stop signal (p.Tyr44Thrfs*9) in the CDKN2A (p16INK4a) gene. It is expected to result in an absent or disrupted protein product. Loss-of-function variants in CDKN2A (p16INK4a) are known to be pathogenic (PMID: 15146471, 16905682).

Literature cited by the submitters: PubMed 15146471; PubMed 16905682.